The following is an entry in ClinVar:

ClinVar aggregate classification (germline): Uncertain significance. Review status: criteria provided, multiple submitters, no conflicts (2 of 4 stars). 5 submissions from 5 submitters: Uncertain significance (5). Last evaluated 2026-05-04.

Conditions:
Inborn genetic diseases. Identifiers: MedGen C0950123, MeSH D030342.

Allele frequency attached by ClinVar (database versions not stated): TOPMed 0.00004; ExAC 0.00001; gnomAD exomes 0.00004; gnomAD 0.00005 and 0.00006.
gnomAD v4.1: 73 of 1,613,658 alleles (0.0045%); highest among the groups gnomAD compares: African/African-American, 0.0067%; no homozygotes.

Submissions (5):

Women's Health and Genetics/Laboratory Corporation of America, LabCorp
Classification: Uncertain significance. Last evaluated: 2026-05-04. Review status: criteria provided, single submitter. Criteria: LabCorp Variant Classification Summary - May 2015. Collection method: clinical testing. Allele origin: germline.
Comment: Variant summary: MYH14 c.5381G>A (p.Arg1794His) results in a non-conservative amino acid change in the encoded protein sequence. Algorithms developed to predict the effect of missense changes on protein structure and function all suggest that this variant is likely to be disruptive. The variant allele was found at a frequency of 2.4e-05 in 248778 control chromosomes. The available data on variant occurrences in the general population are insufficient to allow any conclusion about variant significance. To our knowledge, no occurrence of c.5381G>A in individuals affected with MYH14-related conditions and no experimental evidence demonstrating its impact on protein function have been reported. ClinVar contains an entry for this variant (Variation ID: 1308408). Based on the evidence outlined above, the variant was classified as uncertain significance.

Ambry Genetics
Classification: Uncertain significance for Inborn genetic diseases. Last evaluated: 2024-07-02. Review status: criteria provided, single submitter. Criteria: Ambry Variant Classification Scheme 2023. Collection method: clinical testing. Allele origin: germline.

Labcorp Genetics (formerly Invitae), Labcorp
Classification: Uncertain significance. Last evaluated: 2024-05-06. Review status: criteria provided, single submitter. Criteria: Invitae Variant Classification Sherloc (09022015). Collection method: clinical testing. Allele origin: germline.
Comment: This sequence change replaces arginine, which is basic and polar, with histidine, which is basic and polar, at codon 1794 of the MYH14 protein (p.Arg1794His). This variant is present in population databases (rs754861302, gnomAD 0.008%). This variant has not been reported in the literature in individuals affected with MYH14-related conditions. ClinVar contains an entry for this variant (Variation ID: 1308408). Advanced modeling of protein sequence and biophysical properties (such as structural, functional, and spatial information, amino acid conservation, physicochemical variation, residue mobility, and thermodynamic stability) has been performed at Invitae for this missense variant, however the output from this modeling did not meet the statistical confidence thresholds required to predict the impact of this variant on MYH14 protein function. In summary, the available evidence is currently insufficient to determine the role of this variant in disease. Therefore, it has been classified as a Variant of Uncertain Significance.

Kariminejad - Najmabadi Pathology & Genetics Center
Classification: Uncertain significance. Last evaluated: 2020-09-11. Review status: criteria provided, single submitter. Criteria: ACMG Guidelines, 2015. Collection method: clinical testing. Allele origin: germline. Inheritance: Autosomal dominant inheritance. Affected: yes.
Comment: PP2, PP3

GeneDx
Classification: Uncertain significance. Last evaluated: 2019-03-25. Review status: criteria provided, single submitter. Criteria: GeneDx Variant Classification Process June 2021. Collection method: clinical testing. Allele origin: germline. Affected: yes.
Comment: In silico analysis, which includes protein predictors and evolutionary conservation, supports a deleterious effect; Has not been previously published as pathogenic or benign to our knowledge

NM_001145809.2(MYH14):c.5504G>A (p.Arg1835His)

Gene: MYH14 (myosin heavy chain 14; plus strand). Cytogenetic location: 19q13.33.
Variant type: single nucleotide variant.
Coding change: c.5504G>A on transcript NM_001145809.2 (MANE Select); coding-DNA position 5504, G replaced by A.
Protein change: p.Arg1835His; replaces arginine 1835 with histidine.
Molecular consequence: missense variant.
Genome position (GRCh38, 1-based): chr19:50,301,695, G>A. VCF-style: chr19-50301695-G-A. GRCh37 (hg19) VCF-style: chr19-50804952-G-A.
Other names: c.5405G>A, p.Arg1802His (NM_001077186.2); c.5381G>A, p.Arg1794His (NM_024729.4); short protein forms R1794H, R1802H, R1835H.
Identifiers: ClinVar variation 1308408 (VCV001308408.7), dbSNP rs754861302, ClinGen allele CA9593834.